The following is an entry in ClinVar:

NM_006946.4(SPTBN2):c.6069G>T (p.Gly2023=)

Gene: SPTBN2 (spectrin beta, non-erythrocytic 2; minus strand). Cytogenetic location: 11q13.2.
Variant type: single nucleotide variant.
Coding change: c.6069G>T on transcript NM_006946.4 (MANE Select); coding-DNA position 6069, G replaced by T.
Protein change: p.Gly2023=; no amino-acid change (glycine 2023 retained).
Molecular consequence: synonymous variant.
Genome position (GRCh38, 1-based): chr11:66,688,815, C>A on the plus strand (G>T on the coding strand, the complement: SPTBN2 is on the minus strand). VCF-style: chr11-66688815-C-A. GRCh37 (hg19) VCF-style: chr11-66456286-C-A.
Other names: c.6090G>T, p.Gly2030= (NM_001411025.1).
Identifiers: ClinVar variation 3621538 (VCV003621538.2).

ClinVar aggregate classification (germline): Uncertain significance (1 of 4 stars; one submission).

gnomAD v4.1: 2 of 1,612,690 alleles (0.00012%); highest among the groups gnomAD compares: Non-Finnish European, 0.00017%; no homozygotes.

Submission:

Labcorp Genetics (formerly Invitae), Labcorp
Classification: Uncertain significance. Last evaluated: 2024-07-30. Review status: criteria provided, single submitter. Criteria: Invitae Variant Classification Sherloc (09022015). Collection method: clinical testing. Allele origin: germline.
Comment: This sequence change affects codon 2023 of the SPTBN2 mRNA. It is a 'silent' change, meaning that it does not change the encoded amino acid sequence of the SPTBN2 protein. This variant is not present in population databases (gnomAD no frequency). This variant has not been reported in the literature in individuals affected with SPTBN2-related conditions. Algorithms developed to predict the effect of sequence changes on RNA splicing suggest that this variant may disrupt the consensus splice site. In summary, the available evidence is currently insufficient to determine the role of this variant in disease. Therefore, it has been classified as a Variant of Uncertain Significance.